The following is an entry in ClinVar:

NM_003265.3(TLR3):c.1072G>A (p.Glu358Lys)

Gene: TLR3 (toll like receptor 3; plus strand). Cytogenetic location: 4q35.1.
Variant type: single nucleotide variant.
Coding change: c.1072G>A on transcript NM_003265.3 (MANE Select); coding-DNA position 1072, G replaced by A.
Protein change: p.Glu358Lys; replaces glutamic acid 358 with lysine.
Molecular consequence: missense variant.
Genome position (GRCh38, 1-based): chr4:186,082,758, G>A. VCF-style: chr4-186082758-G-A. GRCh37 (hg19) VCF-style: chr4-187003912-G-A.
Other names: short protein forms E358K.
Identifiers: ClinVar variation 644312 (VCV000644312.9), dbSNP rs1579731157, ClinGen allele CA358930792.

ClinVar aggregate classification (germline): Uncertain significance (1 of 4 stars; one submission).

Conditions:
Encephalopathy, acute, infection-induced (herpes-specific), susceptibility to, 1. Also called: Herpes simplex encephalitis, susceptibility to, 1. Identifiers: Orphanet 1930, MedGen C2750180, MONDO:0024563, OMIM 610551.

Allele frequency attached by ClinVar (database versions not stated): gnomAD exomes below 0.00001.
gnomAD v4.1: 3 of 1,613,972 alleles (0.00019%); highest among the groups gnomAD compares: South Asian, 0.0033%; no homozygotes.

Submission:

Labcorp Genetics (formerly Invitae), Labcorp
Classification: Uncertain significance for Encephalopathy, acute, infection-induced (herpes-specific), susceptibility to, 1. Last evaluated: 2018-11-30. Review status: criteria provided, single submitter. Criteria: Invitae Variant Classification Sherloc (09022015). Collection method: clinical testing. Allele origin: germline.
Comment: In summary, the available evidence is currently insufficient to determine the role of this variant in disease. Therefore, it has been classified as a Variant of Uncertain Significance. Algorithms developed to predict the effect of missense changes on protein structure and function are either unavailable or do not agree on the potential impact of this missense change (SIFT: "Tolerated"; PolyPhen-2: "Possibly Damaging"; Align-GVGD: "Class C0"). This variant has not been reported in the literature in individuals with TLR3-related conditions. This variant is not present in population databases (ExAC no frequency). This sequence change replaces glutamic acid with lysine at codon 358 of the TLR3 protein (p.Glu358Lys). The glutamic acid residue is moderately conserved and there is a small physicochemical difference between glutamic acid and lysine.